The following is an entry in ClinVar:

ClinVar aggregate classification (germline): Uncertain significance (1 of 4 stars; one submission).

Conditions:
Landau-Kleffner syndrome (FESD). Also called: EPILEPSY, FOCAL, WITH SPEECH DISORDER AND WITH OR WITHOUT MENTAL RETARDATION; APHASIA, ACQUIRED, WITH EPILEPSY. Identifiers: Orphanet 1945, Orphanet 725, Orphanet 98818, MedGen C0282512, MONDO:0009509, OMIM 245570.

gnomAD v4.1: 2 of 1,613,932 alleles (0.00012%); highest among the groups gnomAD compares: Middle Eastern, 0.016%; no homozygotes.

Submission:

Labcorp Genetics (formerly Invitae), Labcorp
Classification: Uncertain significance for Landau-Kleffner syndrome. Last evaluated: 2024-12-02. Review status: criteria provided, single submitter. Criteria: Invitae Variant Classification Sherloc (09022015). Collection method: clinical testing. Allele origin: germline.
Comment: This sequence change replaces serine, which is neutral and polar, with cysteine, which is neutral and slightly polar, at codon 1008 of the GRIN2A protein (p.Ser1008Cys). This variant is not present in population databases (gnomAD no frequency). This variant has not been reported in the literature in individuals affected with GRIN2A-related conditions. Invitae Evidence Modeling of protein sequence and biophysical properties (such as structural, functional, and spatial information, amino acid conservation, physicochemical variation, residue mobility, and thermodynamic stability) indicates that this missense variant is not expected to disrupt GRIN2A protein function with a negative predictive value of 95%. In summary, the available evidence is currently insufficient to determine the role of this variant in disease. Therefore, it has been classified as a Variant of Uncertain Significance.

NM_001134407.3(GRIN2A):c.3023C>G (p.Ser1008Cys)

Gene: GRIN2A (glutamate ionotropic receptor NMDA type subunit 2A; minus strand). Cytogenetic location: 16p13.2.
Variant type: single nucleotide variant.
Coding change: c.3023C>G on transcript NM_001134407.3 (MANE Select); coding-DNA position 3023, C replaced by G.
Protein change: p.Ser1008Cys; replaces serine 1008 with cysteine.
Molecular consequence: missense variant.
Genome position (GRCh38, 1-based): chr16:9,764,521, G>C on the plus strand (C>G on the coding strand, the complement: GRIN2A is on the minus strand). VCF-style: chr16-9764521-G-C. GRCh37 (hg19) VCF-style: chr16-9858378-G-C.
Other names: c.3023C>G, p.Ser1008Cys (NM_000833.5, NM_001134408.2); short protein forms S1008C.
Identifiers: ClinVar variation 3603956 (VCV003603956.2).
Genomic context (GRCh38, chr16:9,764,521, plus strand): 5'-TGGGATAGTGAATCCTGGCGTATGGAATCCACGGATTTCTTCCACAGCTGCCGGGGTCTA[G>C]AGTTCGCTTTGGATTCTGTGCTCACGGCCACCTCCACCGTGTTAGGGTTGGACTCATTGA-3'
Protein context (NP_001127879.1, residues 998-1018): VAVSTESKAN[Ser1008Cys]RPRQLWKKSV